The following is an entry in ClinVar:

NM_001024845.3(SLC6A9):c.904G>A (p.Ala302Thr)

Gene: SLC6A9 (solute carrier family 6 member 9; minus strand). Cytogenetic location: 1p34.1.
Variant type: single nucleotide variant.
Coding change: c.904G>A on transcript NM_001024845.3 (MANE Select); coding-DNA position 904, G replaced by A.
Protein change: p.Ala302Thr; replaces alanine 302 with threonine.
Molecular consequence: missense variant. On other transcripts: non-coding transcript variant (1).
Genome position (GRCh38, 1-based): chr1:44,002,371, C>T on the plus strand (G>A on the coding strand, the complement: SLC6A9 is on the minus strand). VCF-style: chr1-44002371-C-T. GRCh37 (hg19) VCF-style: chr1-44468043-C-T.
Other names: NC_000001.10:g.44468043C>T; c.916G>A, p.Ala306Thr (NM_001261380.2); c.571G>A, p.Ala191Thr (NM_001328626.2, NM_001328630.2); c.841G>A, p.Ala281Thr (NM_001328627.1); c.709G>A, p.Ala237Thr (NM_001328628.1); c.904G>A, p.Ala302Thr (NM_001328629.1); c.961G>A, p.Ala321Thr (NM_006934.4); c.1123G>A, p.Ala375Thr (NM_201649.4); short protein forms A321T, A306T, A281T, A302T, A191T, A237T, A375T.
Identifiers: ClinVar variation 4436788 (VCV004436788.2).

ClinVar aggregate classification (germline): Uncertain significance (1 of 4 stars; one submission).

Conditions:
Atypical glycine encephalopathy. Also called: Glycine encephalopathy with normal serum glycine. Identifiers: Orphanet 289863, MedGen C4310943, MONDO:0015010, OMIM 617301.

gnomAD v4.1: 8 of 1,614,104 alleles (0.0005%); highest among the groups gnomAD compares: Admixed American, 0.0017%; no homozygotes.

Submissions (2):

Labcorp Genetics (formerly Invitae), Labcorp
Classification: Uncertain significance for Atypical glycine encephalopathy. Last evaluated: 2025-04-09. Review status: criteria provided, single submitter. Criteria: Invitae Variant Classification Sherloc (09022015). Collection method: clinical testing. Allele origin: germline.
Comment: This sequence change replaces alanine, which is neutral and non-polar, with threonine, which is neutral and polar, at codon 375 of the SLC6A9 protein (p.Ala375Thr). This variant is not present in population databases (gnomAD no frequency). This variant has not been reported in the literature in individuals affected with SLC6A9-related conditions. An algorithm developed to predict the effect of missense changes on protein structure and function (PolyPhen-2) suggests that this variant is likely to be disruptive. In summary, the available evidence is currently insufficient to determine the role of this variant in disease. Therefore, it has been classified as a Variant of Uncertain Significance.

Dr. Peter K. Rogan Lab, Western University
No classification provided (evidence only). Condition: Gastric cancer. Review status: no classification provided. Collection method: in vitro. Allele origin: not applicable. Functional consequence: retained intron. Not counted in ClinVar's aggregate classification.